The following is an entry in ClinVar:

NM_020975.6(RET):c.964G>A (p.Asp322Asn)

Gene: RET (ret proto-oncogene; plus strand). Cytogenetic location: 10q11.21.
Variant type: single nucleotide variant.
Coding change: c.964G>A on transcript NM_020975.6 (MANE Select); coding-DNA position 964, G replaced by A.
Protein change: p.Asp322Asn; replaces aspartic acid 322 with asparagine.
Molecular consequence: missense variant.
Genome position (GRCh38, 1-based): chr10:43,106,472, G>A. VCF-style: chr10-43106472-G-A. GRCh37 (hg19) VCF-style: chr10-43601920-G-A.
Other names: c.964G>A, p.Asp322Asn (NM_000323.2, NM_001406743.1, NM_001406744.1 and 6 more transcripts); c.202G>A, p.Asp68Asn (NM_001355216.2); c.835G>A, p.Asp279Asn (NM_001406761.1, NM_001406762.1, NM_001406764.1 and 1 more transcripts); c.676G>A, p.Asp226Asn (NM_001406766.1, NM_001406767.1, NM_001406770.1); short protein forms D322N, D68N, D226N, D279N.
Identifiers: ClinVar variation 405530 (VCV000405530.16), dbSNP rs1060500755, ClinGen allele CA16613013.

ClinVar aggregate classification (germline): Uncertain significance. Review status: criteria provided, multiple submitters, no conflicts (2 of 4 stars). 4 submissions from 4 submitters: Uncertain significance (4). Last evaluated 2025-07-30.

Conditions:
Multiple endocrine neoplasia, type 2 (MEN2). Identifiers: Orphanet 653, MedGen C4048306, MONDO:0019003. Disease mechanism: gain of function.
Hereditary cancer-predisposing syndrome. Also called: Hereditary Cancer Syndrome; Hereditary neoplastic syndrome; Neoplastic Syndromes, Hereditary; Tumor predisposition. Identifiers: Orphanet 140162, MedGen C0027672, MeSH D009386, MONDO:0015356.

Allele frequency attached by ClinVar (database versions not stated): TOPMed below 0.00001; gnomAD exomes 0.00001.
gnomAD v4.1: 14 of 1,613,572 alleles (0.00087%); highest among the groups gnomAD compares: African/African-American, 0.0027%; no homozygotes.

Submissions (4):

Labcorp Genetics (formerly Invitae), Labcorp
Classification: Uncertain significance for Multiple endocrine neoplasia, type 2. Last evaluated: 2025-07-30. Review status: criteria provided, single submitter. Criteria: Invitae Variant Classification Sherloc (09022015). Collection method: clinical testing. Allele origin: germline.
Comment: This sequence change replaces aspartic acid, which is acidic and polar, with asparagine, which is neutral and polar, at codon 322 of the RET protein (p.Asp322Asn). This variant is not present in population databases (gnomAD no frequency). This variant has not been reported in the literature in individuals affected with RET-related conditions. ClinVar contains an entry for this variant (Variation ID: 405530). An algorithm developed to predict the effect of missense changes on protein structure and function (PolyPhen-2) suggests that this variant is likely to be disruptive. In summary, the available evidence is currently insufficient to determine the role of this variant in disease. Therefore, it has been classified as a Variant of Uncertain Significance.

GeneDx
Classification: Uncertain significance. Last evaluated: 2025-04-18. Review status: criteria provided, single submitter. Criteria: GeneDx Variant Classification Process June 2021. Collection method: clinical testing. Allele origin: germline. Affected: yes.
Comment: Not observed at significant frequency in large population cohorts (gnomAD); In silico analysis supports that this missense variant has a deleterious effect on protein structure/function; Has not been previously published as pathogenic or benign to our knowledge; This variant is associated with the following publications: (PMID: 35978072, 14633923)

Quest Diagnostics Nichols Institute San Juan Capistrano
Classification: Uncertain significance. Last evaluated: 2024-03-08. Review status: criteria provided, single submitter. Criteria: Quest Diagnostics criteria. Collection method: clinical testing. Allele origin: unknown.

Ambry Genetics
Classification: Uncertain significance for Hereditary cancer-predisposing syndrome. Last evaluated: 2023-12-19. Review status: criteria provided, single submitter. Criteria: Ambry Variant Classification Scheme 2023. Collection method: clinical testing. Allele origin: germline.
Comment: The p.D322N variant (also known as c.964G>A), located in coding exon 5 of the RET gene, results from a G to A substitution at nucleotide position 964. The aspartic acid at codon 322 is replaced by asparagine, an amino acid with highly similar properties. This amino acid position is highly conserved in available vertebrate species. In addition, this alteration is predicted to be tolerated by in silico analysis. Since supporting evidence is limited at this time, the clinical significance of this alteration remains unclear.

Literature cited by the submitters: PubMed 35978072 (cited by Quest Diagnostics Nichols Institute San Juan Capistrano).